The following is an entry in ClinVar:

ClinVar aggregate classification (germline): Uncertain significance (1 of 4 stars; one submission).

Conditions:
EP300-related disorder. Also called: EP300-related condition; EP300-related disorders.

gnomAD v4.1: 1 of 1,614,058 alleles (0.000062%); highest among the groups gnomAD compares: Non-Finnish European, 0.000085%; no homozygotes.

Submission:

PreventionGenetics, part of Exact Sciences
Classification: Uncertain significance for EP300-related condition. Last evaluated: 2026-06-08. Review status: criteria provided, single submitter. Criteria: ACMG Guidelines, 2015. Collection method: clinical testing. Allele origin: germline.
Comment: The EP300 c.368A>G variant is predicted to result in the amino acid substitution p.Lys123Arg. To our knowledge, this variant has not been reported in the literature. This variant is reported in 0.00088% of alleles in individuals of European (Non-Finnish) descent in gnomAD. At this time, the clinical significance of this variant is uncertain due to the absence of conclusive functional and genetic evidence.

NM_001429.4(EP300):c.368A>G (p.Lys123Arg)

Gene: EP300 (EP300 lysine acetyltransferase; plus strand). Cytogenetic location: 22q13.2.
Variant type: single nucleotide variant.
Coding change: c.368A>G on transcript NM_001429.4 (MANE Select); coding-DNA position 368, A replaced by G.
Protein change: p.Lys123Arg; replaces lysine 123 with arginine.
Molecular consequence: missense variant.
Genome position (GRCh38, 1-based): chr22:41,117,460, A>G. VCF-style: chr22-41117460-A-G. GRCh37 (hg19) VCF-style: chr22-41513464-A-G.
Other names: c.368A>G, p.Lys123Arg (NM_001362843.2); short protein forms K123R.
Identifiers: ClinVar variation 4995976 (VCV004995976.1).